The following is an entry in ClinVar:

ClinVar aggregate classification (germline): Uncertain significance (0 of 4 stars; one submission).

Conditions:
SEMA3C-related disorder. Also called: SEMA3C-related condition.

gnomAD v4.1: 9 of 1,614,048 alleles (0.00056%); highest among the groups gnomAD compares: South Asian, 0.0011%; no homozygotes.

Submission:

PreventionGenetics, part of Exact Sciences
Classification: Uncertain significance for SEMA3C-related condition. Last evaluated: 2024-05-09. Review status: no assertion criteria provided. Collection method: clinical testing. Allele origin: germline.
Comment: The SEMA3C c.1634C>T variant is predicted to result in the amino acid substitution p.Ala545Val. To our knowledge, this variant has not been reported in the literature or in a large population database, indicating this variant is rare. At this time, the clinical significance of this variant is uncertain due to the absence of conclusive functional and genetic evidence.

NM_006379.5(SEMA3C):c.1580C>T (p.Ala527Val)

Gene: SEMA3C (semaphorin 3C; minus strand). Cytogenetic location: 7q21.11.
Variant type: single nucleotide variant.
Coding change: c.1580C>T on transcript NM_006379.5 (MANE Select); coding-DNA position 1580, C replaced by T.
Protein change: p.Ala527Val; replaces alanine 527 with valine.
Molecular consequence: missense variant.
Genome position (GRCh38, 1-based): chr7:80,758,394, G>A on the plus strand (C>T on the coding strand, the complement: SEMA3C is on the minus strand). VCF-style: chr7-80758394-G-A. GRCh37 (hg19) VCF-style: chr7-80387710-G-A.
Other names: c.1634C>T, p.Ala545Val (NM_001350120.2); c.1406C>T, p.Ala469Val (NM_001350121.2); short protein forms A469V, A527V, A545V.
Identifiers: ClinVar variation 3354794 (VCV003354794.1).